The following is an entry in ClinVar:

ClinVar aggregate classification (germline): Uncertain significance (1 of 4 stars; one submission).

gnomAD v4.1: 8 of 1,614,056 alleles (0.0005%); highest among the groups gnomAD compares: East Asian, 0.0022%; no homozygotes.

Submission:

Labcorp Genetics (formerly Invitae), Labcorp
Classification: Uncertain significance. Last evaluated: 2024-06-12. Review status: criteria provided, single submitter. Criteria: Invitae Variant Classification Sherloc (09022015). Collection method: clinical testing. Allele origin: germline.
Comment: This sequence change affects codon 479 of the IMPDH1 mRNA. It is a 'silent' change, meaning that it does not change the encoded amino acid sequence of the IMPDH1 protein. This variant is not present in population databases (gnomAD no frequency). This variant has not been reported in the literature in individuals affected with IMPDH1-related conditions. Algorithms developed to predict the effect of sequence changes on RNA splicing suggest that this variant may create or strengthen a splice site. In summary, the available evidence is currently insufficient to determine the role of this variant in disease. Therefore, it has been classified as a Variant of Uncertain Significance.

NM_000883.4(IMPDH1):c.1437G>A (p.Thr479=)

Gene: IMPDH1 (inosine monophosphate dehydrogenase 1; minus strand). Cytogenetic location: 7q32.1.
Variant type: single nucleotide variant.
Coding change: c.1437G>A on transcript NM_000883.4 (MANE Select); coding-DNA position 1437, G replaced by A.
Protein change: p.Thr479=; no amino-acid change (threonine 479 retained).
Molecular consequence: synonymous variant.
Genome position (GRCh38, 1-based): chr7:128,395,002, C>T on the plus strand (G>A on the coding strand, the complement: IMPDH1 is on the minus strand). VCF-style: chr7-128395002-C-T. GRCh37 (hg19) VCF-style: chr7-128035056-C-T.
Other names: c.1407G>A, p.Thr469= (NM_001102605.2); c.1182G>A, p.Thr394= (NM_001142573.2); c.1167G>A, p.Thr389= (NM_001142574.2); c.1107G>A, p.Thr369= (NM_001142575.2); c.1338G>A, p.Thr446= (NM_001142576.2); c.1230G>A, p.Thr410= (NM_001304521.2); c.1329G>A, p.Thr443= (NM_183243.3).
Identifiers: ClinVar variation 3629063 (VCV003629063.2).